The following is an entry in ClinVar:

NM_004991.4(MECOM):c.1502A>G (p.His501Arg)

Gene: MECOM (MDS1 and EVI1 complex locus; minus strand). Cytogenetic location: 3q26.2.
Variant type: single nucleotide variant.
Coding change: c.1502A>G on transcript NM_004991.4 (MANE Select); coding-DNA position 1502, A replaced by G.
Protein change: p.His501Arg; replaces histidine 501 with arginine.
Molecular consequence: missense variant. On other transcripts: intron variant (2).
Genome position (GRCh38, 1-based): chr3:169,116,370, T>C on the plus strand (A>G on the coding strand, the complement: MECOM is on the minus strand). VCF-style: chr3-169116370-T-C. GRCh37 (hg19) VCF-style: chr3-168834158-T-C.
Other names: c.938A>G (NM_001105078.3); c.1133A>G, p.His378Arg (NM_001105077.4); c.938A>G, p.His313Arg (NM_001105078.4, NM_001164000.2, NM_001205194.2 and 4 more transcripts); c.941A>G, p.His314Arg (NM_001163999.2, NM_001366467.2, NM_001366468.2 and 1 more transcripts); c.1502A>G, p.His501Arg (NM_001366466.2); c.1133-603A>G (NM_001366473.2); c.569-603A>G (NM_001366474.2); short protein forms H313R, H314R, H378R, H501R.
Identifiers: ClinVar variation 2070432 (VCV002070432.7), dbSNP rs199568118, ClinGen allele CA2696328.

ClinVar aggregate classification (germline): Uncertain significance. Review status: criteria provided, multiple submitters, no conflicts (2 of 4 stars). 3 submissions from 3 submitters: Uncertain significance (3). Last evaluated 2025-12-17.

Conditions:
Inborn genetic diseases. Identifiers: MedGen C0950123, MeSH D030342.

Allele frequency attached by ClinVar (database versions not stated): gnomAD 0.00007; ExAC 0.00009; TOPMed 0.00010; gnomAD exomes 0.00013; 1000 Genomes Project 30x 0.00016; 1000 Genomes Project 0.00020.
gnomAD v4.1: 192 of 1,614,164 alleles (0.012%); highest among the groups gnomAD compares: Middle Eastern, 0.049%; no homozygotes.

Submissions (3):

Labcorp Genetics (formerly Invitae), Labcorp
Classification: Uncertain significance. Last evaluated: 2025-12-17. Review status: criteria provided, single submitter. Criteria: Invitae Variant Classification Sherloc (09022015). Collection method: clinical testing. Allele origin: germline.
Comment: This sequence change replaces histidine, which is basic and polar, with arginine, which is basic and polar, at codon 313 of the MECOM protein (p.His313Arg). This variant is present in population databases (rs199568118, gnomAD 0.01%). This missense change has been observed in individual(s) with cytopenia (PMID: 37216690). This variant is also known as p.H378R. ClinVar contains an entry for this variant (Variation ID: 2070432). An algorithm developed to predict the effect of missense changes on protein structure and function (PolyPhen-2) suggests that this variant is likely to be disruptive. In summary, the available evidence is currently insufficient to determine the role of this variant in disease. Therefore, it has been classified as a Variant of Uncertain Significance.

Genetic Services Laboratory, University of Chicago
Classification: Uncertain significance. Last evaluated: 2023-02-04. Review status: criteria provided, single submitter. Criteria: ACMG Guidelines, 2015. Collection method: clinical testing. Allele origin: germline. Affected: no.
Comment: DNA sequence analysis of the MECOM gene demonstrated a sequence change, c.938A>G, in exon 7 that results in an amino acid change, p.His313Arg. This sequence change does not appear to have been previously described in individuals with MECOM-related disorders. This sequence change has been described in the gnomAD database with a frequency of 0.014% in the European subpopulation (dbSNP rs199568118). The p.His313Arg change affects a moderately conserved amino acid residue located in a domain of the MECOM protein that is not known to be functional. In-silico pathogenicity prediction tools (SIFT, PolyPhen2, Align GVGD, REVEL) provide contradictory results for the p.His313Arg substitution. Due to insufficient evidence and the lack of functional studies, the clinical significance of the p.His313Arg change remains unknown at this time.

Ambry Genetics
Classification: Uncertain significance for Inborn genetic diseases. Last evaluated: 2022-01-10. Review status: criteria provided, single submitter. Criteria: Ambry Variant Classification Scheme 2023. Collection method: clinical testing. Allele origin: germline.

Literature cited by the submitters: PubMed 37216690 (cited by Labcorp Genetics (formerly Invitae), Labcorp).